The following is an entry in ClinVar:

ClinVar aggregate classification (germline): Benign/Likely benign. Review status: criteria provided, multiple submitters, no conflicts (2 of 4 stars). 2 submissions from 2 submitters: Benign (1); Likely benign (1). Last evaluated 2025-10-16.

Conditions:
Familial cancer of breast. Also called: hereditary breast carcinoma; Hereditary breast cancer; BREAST CANCER, FAMILIAL. Identifiers: Orphanet 227535, MedGen C0346153, MONDO:0016419, OMIM 114480. Disease mechanism: loss of function.
Hereditary cancer-predisposing syndrome. Also called: Neoplastic Syndromes, Hereditary; Tumor predisposition; Hereditary Cancer Syndrome; Hereditary neoplastic syndrome. Identifiers: Orphanet 140162, MedGen C0027672, MeSH D009386, MONDO:0015356.

Submissions (2):

Ambry Genetics
Classification: Likely benign for Hereditary cancer-predisposing syndrome. Last evaluated: 2025-10-16. Review status: criteria provided, single submitter. Criteria: Ambry Variant Classification Scheme 2023. Collection method: clinical testing. Allele origin: germline.

Myriad Genetics, Inc.
Classification: Benign for Familial cancer of breast. Last evaluated: 2024-07-18. Review status: criteria provided, single submitter. Criteria: Myriad Autosomal Dominant, Autosomal Recessive and X-Linked Classification Criteria (2023). Collection method: clinical testing. Allele origin: unknown.
Comment: This variant is considered benign. This variant is a silent/synonymous amino acid change and it is not expected to impact splicing.

NM_000465.4(BARD1):c.36G>T (p.Pro12=)

Gene: BARD1 (BRCA1 associated RING domain 1; minus strand). Cytogenetic location: 2q35.
Variant type: single nucleotide variant.
Coding change: c.36G>T on transcript NM_000465.4 (MANE Select); coding-DNA position 36, G replaced by T.
Protein change: p.Pro12=; no amino-acid change (proline 12 retained).
Molecular consequence: synonymous variant. On other transcripts: non-coding transcript variant (3).
Genome position (GRCh38, 1-based): chr2:214,809,534, C>A on the plus strand (G>T on the coding strand, the complement: BARD1 is on the minus strand). VCF-style: chr2-214809534-C-A. GRCh37 (hg19) VCF-style: chr2-215674258-C-A.
Other names: c.36G>T (NM_000465.2); c.36G>T, p.Pro12= (NM_001282543.2, NM_001282545.2, NM_001282548.2 and 1 more transcripts).
Identifiers: ClinVar variation 3378874 (VCV003378874.2).